The following is an entry in ClinVar:

NM_024928.5(STN1):c.1010C>T (p.Pro337Leu)

Gene: STN1 (STN1 subunit of CST complex; minus strand). Cytogenetic location: 10q24.33.
Variant type: single nucleotide variant.
Coding change: c.1010C>T on transcript NM_024928.5 (MANE Select); coding-DNA position 1010, C replaced by T.
Protein change: p.Pro337Leu; replaces proline 337 with leucine.
Molecular consequence: missense variant.
Genome position (GRCh38, 1-based): chr10:103,882,781, G>A on the plus strand (C>T on the coding strand, the complement: STN1 is on the minus strand). VCF-style: chr10-103882781-G-A. GRCh37 (hg19) VCF-style: chr10-105642539-G-A.
Other names: short protein forms P337L.
Identifiers: ClinVar variation 1964054 (VCV001964054.5), dbSNP rs780655414, ClinGen allele CA5676421.

ClinVar aggregate classification (germline): Uncertain significance (1 of 4 stars; one submission).

Allele frequency attached by ClinVar (database versions not stated): TOPMed below 0.00001; ExAC 0.00001.

Submission:

Labcorp Genetics (formerly Invitae), Labcorp
Classification: Uncertain significance. Last evaluated: 2026-01-24. Review status: criteria provided, single submitter. Criteria: Invitae Variant Classification Sherloc (09022015). Collection method: clinical testing. Allele origin: germline.
Comment: This sequence change replaces proline, which is neutral and non-polar, with leucine, which is neutral and non-polar, at codon 337 of the STN1 protein (p.Pro337Leu). This variant is present in population databases (rs780655414, gnomAD 0.007%). This variant has not been reported in the literature in individuals affected with STN1-related conditions. ClinVar contains an entry for this variant (Variation ID: 1964054). Invitae Evidence Modeling of protein sequence and biophysical properties (such as structural, functional, and spatial information, amino acid conservation, physicochemical variation, residue mobility, and thermodynamic stability) indicates that this missense variant is not expected to disrupt STN1 protein function with a negative predictive value of 80%. In summary, the available evidence is currently insufficient to determine the role of this variant in disease. Therefore, it has been classified as a Variant of Uncertain Significance.